The following is an entry in ClinVar:

NM_153717.3(EVC):c.1428G>C (p.Glu476Asp)

Gene: EVC (EvC ciliary complex subunit 1; plus strand). Cytogenetic location: 4p16.2.
Variant type: single nucleotide variant.
Coding change: c.1428G>C on transcript NM_153717.3 (MANE Select); coding-DNA position 1428, G replaced by C.
Protein change: p.Glu476Asp; replaces glutamic acid 476 with aspartic acid.
Molecular consequence: missense variant.
Genome position (GRCh38, 1-based): chr4:5,753,897, G>C. VCF-style: chr4-5753897-G-C. GRCh37 (hg19) VCF-style: chr4-5755624-G-C.
Other names: c.1428G>C, p.Glu476Asp (NM_001306090.2, NM_001306092.2); short protein forms E476D.
Identifiers: ClinVar variation 349177 (VCV000349177.20), dbSNP rs571637567, ClinGen allele CA2836096.
Genomic context (GRCh38, chr4:5,753,897, plus strand): 5'-GGAGGGAACGGCAAAACTCACGCTGGCCCAAGAGGAGGAACAGAGAAGCTTCCTGGCTGA[G>C]GCCCAGCCGACTGCTGACCCGGAAAAGTTTCTCGAGGTGACTCACATCCCCAGCCTCTGC-3'
Protein context (NP_714928.1, residues 466-486): QEEEQRSFLA[Glu476Asp]AQPTADPEKF

ClinVar aggregate classification (germline): Benign/Likely benign. Review status: criteria provided, multiple submitters, no conflicts (2 of 4 stars). 5 submissions from 5 submitters: Benign (3); Likely benign (1). 1 of the submissions does not count toward it. Last evaluated 2026-06-02.

Conditions:
EVC-related disorder. Also called: EVC-related condition; EVC-related disorders.
Curry-Hall syndrome (WAD). Also called: WEYERS ACRODENTAL DYSOSTOSIS. Identifiers: Orphanet 952, MedGen C0457013, MONDO:0008673, OMIM 193530.
Ellis-van Creveld syndrome (EVC). Also called: MESOECTODERMAL DYSPLASIA; Chondroectodermal dysplasia. Identifiers: Orphanet 289, MedGen C0013903, MONDO:0009162, OMIM 225500.

Allele frequency attached by ClinVar (database versions not stated): gnomAD 0.00001 and 0.00038; TOPMed 0.00009; ExAC 0.00157; 1000 Genomes Project 30x 0.00187; 1000 Genomes Project 0.00200.
gnomAD v4.1: 1,101 of 1,613,710 alleles (0.068%); highest among the groups gnomAD compares: South Asian, 1.2%; 21 homozygotes.

Submissions (5):

Women's Health and Genetics/Laboratory Corporation of America, LabCorp
Classification: Benign. Last evaluated: 2026-06-02. Review status: criteria provided, single submitter. Criteria: LabCorp Variant Classification Summary - May 2015. Collection method: clinical testing. Allele origin: germline.
Comment: Variant summary: EVC c.1428G>C (p.Glu476Asp) results in a conservative amino acid change in the encoded protein sequence. Algorithms developed to predict the effect of missense changes on protein structure and function all suggest that this variant is likely to be tolerated. The variant allele was found at a frequency of 0.0014 in 251420 control chromosomes, predominantly at a frequency of 0.012 within the South Asian subpopulation in the gnomAD database, including 3 homozygotes. The observed variant frequency within South Asian control individuals in the gnomAD database exceeds the estimated maximal expected allele frequency for disease-causing variants in EVC. To our knowledge, no occurrence of c.1428G>C in individuals affected with EVC-related conditions and no experimental evidence demonstrating its impact on protein function have been reported. ClinVar contains an entry for this variant (Variation ID: 349177). Based on the evidence outlined above, the variant was classified as benign.

Labcorp Genetics (formerly Invitae), Labcorp
Classification: Benign for Curry-Hall syndrome; Ellis-van Creveld syndrome. Last evaluated: 2026-01-31. Review status: criteria provided, single submitter. Criteria: Invitae Variant Classification Sherloc (09022015). Collection method: clinical testing. Allele origin: germline.

Blueprint Genetics
Classification: Likely benign. Last evaluated: 2024-11-26. Review status: criteria provided, single submitter. Criteria: ACMG Guidelines, 2015. Collection method: clinical testing. Allele origin: germline.

Illumina Laboratory Services, Illumina
Classification: Benign for Ellis-van Creveld syndrome. Last evaluated: 2018-01-13. Review status: criteria provided, single submitter. Criteria: ICSL Variant Classification Criteria 13 December 2019. Collection method: clinical testing. Allele origin: germline.
Comment: This variant was observed in the ICSL laboratory as part of a predisposition screen in an ostensibly healthy population. It had not been previously curated by ICSL or reported in the Human Gene Mutation Database (HGMD: prior to June 1st, 2018), and was therefore a candidate for classification through an automated scoring system. Utilizing variant allele frequency, disease prevalence and penetrance estimates, and inheritance mode, an automated score was calculated to assess if this variant is too frequent to cause the disease. Based on the score and internal cut-off values, a variant classified as benign is not then subjected to further curation. The score for this variant resulted in a classification of benign for this disease.

PreventionGenetics, part of Exact Sciences
Classification: Benign for EVC-related condition. Last evaluated: 2019-10-31. Review status: no assertion criteria provided. Collection method: clinical testing. Allele origin: germline. Not counted in ClinVar's aggregate classification.
Comment: This variant is classified as benign based on ACMG/AMP sequence variant interpretation guidelines (Richards et al. 2015 PMID: 25741868, with internal and published modifications).